The following is an entry in ClinVar:

ClinVar aggregate classification (germline): Likely pathogenic (1 of 4 stars; one submission).

Conditions:
Autosomal recessive congenital ichthyosis 4B (ARCI4B). Also called: HARLEQUIN ICHTHYOSIS; ICHTHYOSIS CONGENITA, HARLEQUIN FETUS TYPE; Harlequin Fetus; Ichthyosis, congenital, autosomal recessive 4B (harlequin). Identifiers: Orphanet 457, MedGen C0598226, MONDO:0009443, OMIM 242500.

Submission:

Neuberg Centre For Genomic Medicine, NCGM
Classification: Likely pathogenic for Autosomal recessive congenital ichthyosis 4B. Review status: criteria provided, single submitter. Criteria: ACMG Guidelines, 2015. Collection method: clinical testing. Allele origin: germline. Inheritance: Autosomal recessive inheritance. Affected: yes.
Comment: This variant causes a frameshift starting with codon Arginine 1461, changes this amino acid to Glycine residue, and creates a premature Stop codon at position 3 of the new reading frame, denoted p.Arg1461GlyfsTer3. The frame shift variant has not been reported previously as a pathogenic variant nor as a benign variant, to our knowledge. The c.4381del; (p.Arg1461GlyfsTer3) variant is novel (not in any individuals) in gnomAD Exomes and is novel (not in any individuals) in 1000 Genomes. This variant is predicted to cause loss of normal protein function through protein truncation. Loss of function variants have been previously reported to be disease causing. For these reasons, this variant has been classified as Likely Pathogenic.

NM_173076.3(ABCA12):c.4381del (p.Arg1461fs)

Gene: ABCA12 (ATP binding cassette subfamily A member 12; minus strand). Cytogenetic location: 2q35.
Variant type: Deletion.
Coding change: c.4381del on transcript NM_173076.3 (MANE Select); coding-DNA position 4381, one base deleted (A; older notation c.4381delA).
Protein change: p.Arg1461fs; shifts the reading frame from arginine 1461.
Molecular consequence: frameshift variant. On other transcripts: non-coding transcript variant (1).
Genome position (GRCh38, 1-based): chr2:214,983,648, T deleted on the plus strand (A on the coding strand, the reverse complement: ABCA12 is on the minus strand); the first of 5 consecutive T bases (chr2:214,983,648-214,983,652); deleting any one gives the same sequence. VCF-style (leftmost placement, unchanged base first): chr2-214983647-CT-C. GRCh37 (hg19) VCF-style: chr2-215848371-CT-C.
Other names: c.3427del, p.Arg1143fs (NM_015657.4); short protein forms R1461fs, R1143fs.
Identifiers: ClinVar variation 2585208 (VCV002585208.1), dbSNP rs2469237353, ClinGen allele CA2582342130.
Genomic context (GRCh38, chr2:214,983,647, plus strand): 5'-CAAGCTATGGGTCTTTGAGAGGAGTTAGCAACTTAGGTTCTCATTCCTGTCTTAACTTGC[CT>C]TTTTACTTCCTCGTGGAGCTGCTTTTTAGTCCAGTGAGGAACTTTGATGGAACCATATAG-3'